The following is an entry in ClinVar:

NM_000132.4(F8):c.6429+9940G>A

Genes: F8 (coagulation factor VIII; minus strand), LOC106146150 (int22h-1 recombination region; plus strand). Cytogenetic location: Xq28.
Variant type: single nucleotide variant.
Coding change: c.6429+9940G>A on transcript NM_000132.4 (MANE Select); 9940 bases into the intron after coding-DNA position 6429, G replaced by A.
Molecular consequence: intron variant. On other transcripts: synonymous variant (1).
Genome position (GRCh38, 1-based): chrX:154,886,137, C>T on the plus strand (G>A on the coding strand, the complement: F8 is on the minus strand). VCF-style: chrX-154886137-C-T. GRCh37 (hg19) VCF-style: chrX-154114412-C-T.
Other names: c.21G>A, p.Gly7= (NM_019863.3).
Identifiers: ClinVar variation 2661862 (VCV002661862.24), dbSNP rs1188872862, ClinGen allele CA873332996.

ClinVar aggregate classification (germline): Likely benign (1 of 4 stars; one submission).

Submission:

CeGaT Center for Human Genetics Tuebingen
Classification: Likely benign. Last evaluated: 2022-07-01. Review status: criteria provided, single submitter. Criteria: CeGaT Center For Human Genetics Tuebingen Variant Classification Criteria Version 2. Collection method: clinical testing. Allele origin: germline. Affected: yes. Observed: 1 variant allele.
Comment: F8: BP4, BP7